The following is an entry in ClinVar:

NM_000138.5(FBN1):c.466A>C (p.Asn156His)

Gene: FBN1 (fibrillin 1; minus strand). Cytogenetic location: 15q21.1.
Variant type: single nucleotide variant.
Coding change: c.466A>C on transcript NM_000138.5 (MANE Select); coding-DNA position 466, A replaced by C.
Protein change: p.Asn156His; replaces asparagine 156 with histidine.
Molecular consequence: missense variant.
Genome position (GRCh38, 1-based): chr15:48,596,355, T>G on the plus strand (A>C on the coding strand, the complement: FBN1 is on the minus strand). VCF-style: chr15-48596355-T-G. GRCh37 (hg19) VCF-style: chr15-48888552-T-G.
Other names: short protein forms N156H.
Identifiers: ClinVar variation 519790 (VCV000519790.28), dbSNP rs746352371, ClinGen allele CA053509.

ClinVar aggregate classification (germline): Uncertain significance. Review status: criteria provided, multiple submitters, no conflicts (2 of 4 stars). 7 submissions from 7 submitters: Uncertain significance (7). Last evaluated 2025-12-20.

Conditions:
MASS syndrome (OCTD). Also called: OVERLAP CONNECTIVE TISSUE DISEASE; MASS PHENOTYPE. Identifiers: MedGen C1858556, MONDO:0011431, OMIM 604308.
Progeroid and marfanoid aspect-lipodystrophy syndrome. Also called: MARFANOID-PROGEROID SYNDROME; MARFAN-PROGEROID-LIPODYSTROPHY SYNDROME; Marfan lipodystrophy syndrome; MARFANOID-PROGEROID-LIPODYSTROPHY SYNDROME. Identifiers: Orphanet 300382, MedGen C4310796, MONDO:0014831, OMIM 616914.
Ectopia lentis 1, isolated, autosomal dominant (ECTOL1). Identifiers: Orphanet 1885, MedGen C3541518, MONDO:0007514, OMIM 129600.
Weill-Marchesani syndrome 2, dominant. Also called: Weill-Marchesani Syndrome, Autosomal Dominant; FBN1-Related Weill-Marchesani Syndrome. Identifiers: Orphanet 2084, MedGen C1869115, MONDO:0012013, OMIM 608328.
Acromicric dysplasia (ACMICD). Also called: Acromicric skeletal dysplasia. Identifiers: Orphanet 969, MedGen C0265287, MONDO:0007055, OMIM 102370.
Geleophysic dysplasia 2 (GPHYSD2). Identifiers: Orphanet 2623, MedGen C3280054, MONDO:0013612, OMIM 614185.
Stiff skin syndrome (SSKS). Identifiers: Orphanet 2833, MedGen C1861456, MONDO:0008492, OMIM 184900.
Marfan syndrome (MFS). Also called: Marfan syndrome type 1; Marfan syndrome, classic; Marfan's syndrome; FBN1-Related Marfan Syndrome; MARFAN SYNDROME, TYPE I. Identifiers: Orphanet 284963, Orphanet 558, MedGen C0024796, MONDO:0007947, OMIM 154700.
Familial thoracic aortic aneurysm and aortic dissection (TAAD). Also called: Thoracic aortic aneurysms and dissections. Identifiers: Orphanet 91387, MedGen C4707243, MONDO:0019625.

Allele frequency attached by ClinVar (database versions not stated): ExAC 0.00002; TOPMed 0.00004; gnomAD 0.00005; gnomAD exomes 0.00006 and 0.00002.
gnomAD v4.1: 90 of 1,613,892 alleles (0.0056%); highest among the groups gnomAD compares: Non-Finnish European, 0.0073%; no homozygotes.

Submissions (7):

Labcorp Genetics (formerly Invitae), Labcorp
Classification: Uncertain significance for Marfan syndrome; Familial thoracic aortic aneurysm and aortic dissection. Last evaluated: 2025-12-20. Review status: criteria provided, single submitter. Criteria: Invitae Variant Classification Sherloc (09022015). Collection method: clinical testing. Allele origin: germline.
Comment: This sequence change replaces asparagine, which is neutral and polar, with histidine, which is basic and polar, at codon 156 of the FBN1 protein (p.Asn156His). This variant is present in population databases (rs746352371, gnomAD 0.004%). This missense change has been observed in individual(s) with FBN1-related conditions (PMID: 36517271). ClinVar contains an entry for this variant (Variation ID: 519790). Invitae Evidence Modeling of protein sequence and biophysical properties (such as structural, functional, and spatial information, amino acid conservation, physicochemical variation, residue mobility, and thermodynamic stability) indicates that this missense variant is expected to disrupt FBN1 protein function with a positive predictive value of 95%. This variant disrupts the p.Asn156 amino acid residue in FBN1. Other variant(s) that disrupt this residue have been observed in individuals with FBN1-related conditions (PMID: 32679894, 36517271), which suggests that this may be a clinically significant amino acid residue. In summary, the available evidence is currently insufficient to determine the role of this variant in disease. Therefore, it has been classified as a Variant of Uncertain Significance.

GeneDx
Classification: Uncertain significance. Last evaluated: 2024-04-02. Review status: criteria provided, single submitter. Criteria: GeneDx Variant Classification Process June 2021. Collection method: clinical testing. Allele origin: germline. Affected: yes.
Comment: Has not been previously published as pathogenic or benign to our knowledge; Not observed at significant frequency in large population cohorts (gnomAD); In silico analysis supports that this missense variant has a deleterious effect on protein structure/function; Although located in a calcium-binding EGF-like domain of the FBN1 gene, it does not affect a cysteine residue within this domain; cysteine substitutions in the calcium-binding EGF-like domains represent the majority of pathogenic missense changes associated with FBN1-related disorders (PMID: 12938084); This variant is associated with the following publications: (PMID: 12938084)

Ambry Genetics
Classification: Uncertain significance for Familial thoracic aortic aneurysm and aortic dissection. Last evaluated: 2024-03-04. Review status: criteria provided, single submitter. Criteria: Ambry Variant Classification Scheme 2023. Collection method: clinical testing. Allele origin: germline.
Comment: The p.N156H variant (also known as c.466A>C), located in coding exon 5 of the FBN1 gene, results from an A to C substitution at nucleotide position 466. The asparagine at codon 156 is replaced by histidine, an amino acid with similar properties, and is located in the EGF-like #03 domain. This amino acid position is highly conserved in available vertebrate species. In addition, the in silico prediction for this alteration is inconclusive. Since supporting evidence is limited at this time, the clinical significance of this alteration remains unclear.

All of Us Research Program, National Institutes of Health
Classification: Uncertain significance for Marfan syndrome. Last evaluated: 2023-12-18. Review status: criteria provided, single submitter. Criteria: ACMG Guidelines, 2015. Collection method: clinical testing. Allele origin: germline. Inheritance: Autosomal dominant inheritance. Observed: 6 variant alleles, 6 heterozygotes.
Comment: This missense variant replaces asparagine with histidine at codon 156 of the FBN1 protein. Computational prediction suggests that this variant may have deleterious impact on protein structure and function (internally defined REVEL score threshold >= 0.7, PMID: 27666373). To our knowledge, functional studies have not been reported for this variant. This variant has not been reported in individuals affected with cardiovascular disorders in the literature. This variant has been identified in 6/282716 chromosomes in the general population by the Genome Aggregation Database (gnomAD). The available evidence is insufficient to determine the role of this variant in disease conclusively. Therefore, this variant is classified as a Variant of Uncertain Significance.

This study involves interpretation of variants in research participants for the purpose of population health screening. Participant phenotype was not available at the time of variant classification. Additional details can be found in publication PMID: 35346344, PMCID: PMC8962531

Color Diagnostics, LLC DBA Color Health
Classification: Uncertain significance for Familial thoracic aortic aneurysm and aortic dissection. Last evaluated: 2023-11-27. Review status: criteria provided, single submitter. Criteria: ACMG Guidelines, 2015. Collection method: clinical testing. Allele origin: germline.
Comment: This missense variant replaces asparagine with histidine at codon 156 of the FBN1 protein. Computational prediction tool indicates that this variant may have a deleterious impact on protein structure and function. To our knowledge, functional studies have not been reported for this variant. This variant has not been reported in individuals affected with FBN1-related disorders in the literature. This variant has been identified in 6/282716 chromosomes in the general population by the Genome Aggregation Database (gnomAD). The available evidence is insufficient to determine the role of this variant in disease conclusively. Therefore, this variant is classified as a Variant of Uncertain Significance.

Fulgent Genetics
Classification: Uncertain significance for Acromicric dysplasia; Ectopia lentis 1, isolated, autosomal dominant; Marfan syndrome; Stiff skin syndrome; MASS syndrome; Weill-Marchesani syndrome 2, dominant; Geleophysic dysplasia 2; Progeroid and marfanoid aspect-lipodystrophy syndrome. Last evaluated: 2021-09-16. Review status: criteria provided, single submitter. Criteria: ACMG Guidelines, 2015. Collection method: clinical testing. Allele origin: unknown.

CHEO Genetics Diagnostic Laboratory, Children's Hospital of Eastern Ontario
Classification: Uncertain significance for Familial thoracic aortic aneurysm and aortic dissection. Last evaluated: 2019-01-16. Review status: criteria provided, single submitter. Criteria: ACMG Guidelines, 2015. Collection method: clinical testing. Allele origin: germline.

Literature cited by the submitters: PubMed 36517271 (cited by Labcorp Genetics (formerly Invitae), Labcorp); PubMed 32679894 (cited by Labcorp Genetics (formerly Invitae), Labcorp).